The following is an entry in ClinVar:

NM_007375.4(TARDBP):c.1050G>A (p.Ser350=)

Gene: TARDBP (TAR DNA binding protein; plus strand). Cytogenetic location: 1p36.22.
Variant type: single nucleotide variant.
Coding change: c.1050G>A on transcript NM_007375.4 (MANE Select); coding-DNA position 1050, G replaced by A.
Protein change: p.Ser350=; no amino-acid change (serine 350 retained).
Molecular consequence: synonymous variant.
Genome position (GRCh38, 1-based): chr1:11,022,459, G>A. VCF-style: chr1-11022459-G-A. GRCh37 (hg19) VCF-style: chr1-11082516-G-A.
Identifiers: ClinVar variation 4848084 (VCV004848084.1).

ClinVar aggregate classification (germline): Uncertain significance (1 of 4 stars; one submission).

gnomAD v4.1: 10 of 1,612,344 alleles (0.00062%); highest among the groups gnomAD compares: South Asian, 0.0011%; no homozygotes.

Submission:

Women's Health and Genetics/Laboratory Corporation of America, LabCorp
Classification: Uncertain significance. Last evaluated: 2026-02-03. Review status: criteria provided, single submitter. Criteria: LabCorp Variant Classification Summary - May 2015. Collection method: clinical testing. Allele origin: germline.
Comment: Variant summary: TARDBP c.1050G>A alters a conserved nucleotide resulting in a synonymous change. Several computational tools predict a significant impact on normal splicing: Five predict the variant strengthens a cryptic 5' donor site. However, these predictions have yet to be confirmed by functional studies. The variant allele was found at a frequency of 4e-06 in 250608 control chromosomes. The available data on variant occurrences in the general population are insufficient to allow any conclusion about variant significance. To our knowledge, no occurrence of c.1050G>A in individuals affected with TARDBP-related conditions and no experimental evidence demonstrating its impact on protein function have been reported. No submitters have cited clinical-significance assessments for this variant to ClinVar. Based on the evidence outlined above, the variant was classified as uncertain significance.